The following is an entry in ClinVar:

NM_000478.6(ALPL):c.197C>T (p.Thr66Ile)

Gene: ALPL (alkaline phosphatase, biomineralization associated; plus strand). Cytogenetic location: 1p36.12.
Variant type: single nucleotide variant.
Coding change: c.197C>T on transcript NM_000478.6 (MANE Select); coding-DNA position 197, C replaced by T.
Protein change: p.Thr66Ile; replaces threonine 66 with isoleucine.
Molecular consequence: missense variant. On other transcripts: intron variant (1).
Genome position (GRCh38, 1-based): chr1:21,561,112, C>T. VCF-style: chr1-21561112-C-T. GRCh37 (hg19) VCF-style: chr1-21887605-C-T.
Other names: c.32C>T, p.Thr11Ile (NM_001127501.4); c.197C>T, p.Thr66Ile (NM_001369803.2, NM_001369804.2, NM_001369805.2); c.66+367C>T (NM_001177520.3); short protein forms T66I, T11I.
Identifiers: ClinVar variation 3680337 (VCV003680337.2).

ClinVar aggregate classification (germline): Uncertain significance (1 of 4 stars; one submission).

Submission:

Labcorp Genetics (formerly Invitae), Labcorp
Classification: Uncertain significance. Last evaluated: 2024-04-08. Review status: criteria provided, single submitter. Criteria: Invitae Variant Classification Sherloc (09022015). Collection method: clinical testing. Allele origin: germline.
Comment: This sequence change replaces threonine, which is neutral and polar, with isoleucine, which is neutral and non-polar, at codon 66 of the ALPL protein (p.Thr66Ile). The frequency data for this variant in the population databases is considered unreliable, as metrics indicate poor data quality at this position in the gnomAD database. This variant has not been reported in the literature in individuals affected with ALPL-related conditions. Advanced modeling of protein sequence and biophysical properties (such as structural, functional, and spatial information, amino acid conservation, physicochemical variation, residue mobility, and thermodynamic stability) performed at Invitae indicates that this missense variant is expected to disrupt ALPL protein function with a positive predictive value of 95%. In summary, the available evidence is currently insufficient to determine the role of this variant in disease. Therefore, it has been classified as a Variant of Uncertain Significance.